The following is an entry in ClinVar:

ClinVar aggregate classification (germline): Uncertain significance. Review status: criteria provided, multiple submitters, no conflicts (2 of 4 stars). 2 submissions from 2 submitters: Uncertain significance (2). Last evaluated 2025-08-08.

Conditions:
Familial temporal lobe epilepsy 7. Identifiers: Orphanet 101046, MedGen C4225327, MONDO:0014639, OMIM 616436.
Norman-Roberts syndrome (LIS2). Also called: Lissencephaly 2 (Norman-Roberts type). Identifiers: Orphanet 89844, MedGen C0796089, MONDO:0009760, OMIM 257320.
Epilepsy, familial temporal lobe, 1. Identifiers: Orphanet 101046, MedGen CN030884, MONDO:0700090, OMIM 600512.

Allele frequency attached by ClinVar (database versions not stated): gnomAD exomes 0.00001 and 0.00003; ExAC 0.00002; TOPMed 0.00003; gnomAD 0.00005.
gnomAD v4.1: 44 of 1,613,930 alleles (0.0027%); highest among the groups gnomAD compares: African/African-American, 0.0067%; no homozygotes.

Submissions (2):

Labcorp Genetics (formerly Invitae), Labcorp
Classification: Uncertain significance for Familial temporal lobe epilepsy 7; Norman-Roberts syndrome. Last evaluated: 2025-08-08. Review status: criteria provided, single submitter. Criteria: Invitae Variant Classification Sherloc (09022015). Collection method: clinical testing. Allele origin: germline.
Comment: This sequence change replaces valine, which is neutral and non-polar, with isoleucine, which is neutral and non-polar, at codon 2475 of the RELN protein (p.Val2475Ile). This variant is present in population databases (rs764015748, gnomAD 0.002%). This variant has not been reported in the literature in individuals affected with RELN-related conditions. ClinVar contains an entry for this variant (Variation ID: 542566). Invitae Evidence Modeling of protein sequence and biophysical properties (such as structural, functional, and spatial information, amino acid conservation, physicochemical variation, residue mobility, and thermodynamic stability) indicates that this missense variant is not expected to disrupt RELN protein function with a negative predictive value of 80%. In summary, the available evidence is currently insufficient to determine the role of this variant in disease. Therefore, it has been classified as a Variant of Uncertain Significance.

Fulgent Genetics
Classification: Uncertain significance for Norman-Roberts syndrome; Epilepsy, familial temporal lobe, 1; Familial temporal lobe epilepsy 7. Last evaluated: 2021-10-21. Review status: criteria provided, single submitter. Criteria: ACMG Guidelines, 2015. Collection method: clinical testing. Allele origin: unknown.

NM_005045.4(RELN):c.7423G>A (p.Val2475Ile)

Gene: RELN (reelin; minus strand). Cytogenetic location: 7q22.1.
Variant type: single nucleotide variant.
Coding change: c.7423G>A on transcript NM_005045.4 (MANE Select); coding-DNA position 7423, G replaced by A.
Protein change: p.Val2475Ile; replaces valine 2475 with isoleucine.
Molecular consequence: missense variant.
Genome position (GRCh38, 1-based): chr7:103,523,458, C>T on the plus strand (G>A on the coding strand, the complement: RELN is on the minus strand). VCF-style: chr7-103523458-C-T. GRCh37 (hg19) VCF-style: chr7-103163905-C-T.
Other names: c.7423G>A, p.Val2475Ile (NM_173054.3); short protein forms V2475I.
Identifiers: ClinVar variation 542566 (VCV000542566.11), dbSNP rs764015748, ClinGen allele CA4420742.